The following is an entry in ClinVar:

NM_015072.5(TTLL5):c.513G>A (p.Ser171=)

Gene: TTLL5 (tubulin tyrosine ligase like 5; plus strand). Cytogenetic location: 14q24.3.
Variant type: single nucleotide variant.
Coding change: c.513G>A on transcript NM_015072.5 (MANE Select); coding-DNA position 513, G replaced by A.
Protein change: p.Ser171=; no amino-acid change (serine 171 retained).
Molecular consequence: synonymous variant.
Genome position (GRCh38, 1-based): chr14:75,699,198, G>A. VCF-style: chr14-75699198-G-A. GRCh37 (hg19) VCF-style: chr14-76165541-G-A.
Identifiers: ClinVar variation 1131299 (VCV001131299.35), dbSNP rs375994206, ClinGen allele CA7278964.

ClinVar aggregate classification (germline): Likely benign. Review status: criteria provided, multiple submitters, no conflicts (2 of 4 stars). 3 submissions from 3 submitters: Likely benign (3). Last evaluated 2026-01-23.

Allele frequency attached by ClinVar (database versions not stated): ESP Exome Variant Server 0.00008; gnomAD 0.00009; TOPMed 0.00009; gnomAD exomes 0.00010 and 0.00012; ExAC 0.00012.
gnomAD v4.1: 182 of 1,613,374 alleles (0.011%); highest among the groups gnomAD compares: Non-Finnish European, 0.014%; no homozygotes.

Submissions (3):

Labcorp Genetics (formerly Invitae), Labcorp
Classification: Likely benign. Last evaluated: 2026-01-23. Review status: criteria provided, single submitter. Criteria: Invitae Variant Classification Sherloc (09022015). Collection method: clinical testing. Allele origin: germline.

CeGaT Center for Human Genetics Tuebingen
Classification: Likely benign. Last evaluated: 2022-12-01. Review status: criteria provided, single submitter. Criteria: CeGaT Center For Human Genetics Tuebingen Variant Classification Criteria Version 2. Collection method: clinical testing. Allele origin: germline. Affected: yes. Observed: 2 variant alleles.
Comment: TTLL5: BP4, BP7

Blueprint Genetics
Classification: Likely benign. Last evaluated: 2019-06-29. Review status: criteria provided, single submitter. Criteria: ACMG Guidelines, 2015. Collection method: clinical testing. Allele origin: germline.